The following is an entry in ClinVar:

ClinVar aggregate classification (germline): Likely pathogenic (1 of 4 stars; one submission).

Conditions:
Catecholaminergic polymorphic ventricular tachycardia 1. Also called: VENTRICULAR TACHYCARDIA, STRESS-INDUCED POLYMORPHIC 1; RYR2-Related Catecholaminergic Polymorphic Ventricular Tachycardia; VENTRICULAR TACHYCARDIA, CATECHOLAMINERGIC POLYMORPHIC, 1, WITH OR WITHOUT ATRIAL DYSFUNCTION AND/OR DILATED CARDIOMYOPATHY. Identifiers: Orphanet 3286, MedGen C1631597, MONDO:0011484, OMIM 604772.

gnomAD v4.1: 1 of 1,605,642 alleles (0.000062%); highest among the groups gnomAD compares: Admixed American, 0.0017%; no homozygotes.

Submission:

Labcorp Genetics (formerly Invitae), Labcorp
Classification: Likely pathogenic for Catecholaminergic polymorphic ventricular tachycardia 1. Last evaluated: 2025-08-20. Review status: criteria provided, single submitter. Criteria: Invitae Variant Classification Sherloc (09022015). Collection method: clinical testing. Allele origin: germline.
Comment: This sequence change affects an acceptor splice site in intron 8 of the CASQ2 gene. It is expected to disrupt RNA splicing. Variants that disrupt the donor or acceptor splice site typically lead to a loss of protein function (PMID: 16199547), and loss-of-function variants in CASQ2 are known to be pathogenic (PMID: 12386154). This variant is present in population databases (no rsID available, gnomAD 0.003%). This variant has not been reported in the literature in individuals affected with CASQ2-related conditions. Algorithms developed to predict the effect of sequence changes on RNA splicing suggest that this variant may disrupt the consensus splice site. In summary, the currently available evidence indicates that the variant is pathogenic, but additional data are needed to prove that conclusively. Therefore, this variant has been classified as Likely Pathogenic.

Literature cited by the submitters: PubMed 16199547; PubMed 12386154.

NM_001232.4(CASQ2):c.839-1G>C

Gene: CASQ2 (calsequestrin 2; minus strand). Cytogenetic location: 1p13.1.
Variant type: single nucleotide variant.
Coding change: c.839-1G>C on transcript NM_001232.4 (MANE Select); the canonical splice acceptor site of the intron before coding-DNA position 839, G replaced by C.
Molecular consequence: splice acceptor variant.
Genome position (GRCh38, 1-based): chr1:115,705,293, C>G on the plus strand (G>C on the coding strand, the complement: CASQ2 is on the minus strand). VCF-style: chr1-115705293-C-G. GRCh37 (hg19) VCF-style: chr1-116247914-C-G.
Identifiers: ClinVar variation 4778592 (VCV004778592.1).
Genomic context (GRCh38, chr1:115,705,293, plus strand): 5'-CGGGGTTGTCAGTATTGTCCCGGGCAACCTGTTTCAGGATCTCCAGGAATTCGTAGCCAT[C>G]TGAAACAGGATTCAAGAGAGTTGAGTAACCCCTGCACATACACAGCTTCTAATGTGGAGA-3'